The following is an entry in ClinVar:

ClinVar aggregate classification (germline): Uncertain significance. Review status: criteria provided, multiple submitters, no conflicts (2 of 4 stars). 2 submissions from 2 submitters: Uncertain significance (2). Last evaluated 2025-10-23.

Conditions:
Inborn genetic diseases. Identifiers: MedGen C0950123, MeSH D030342.
Pyogenic arthritis-pyoderma gangrenosum-acne syndrome (PAPA). Also called: FAMILIAL RECURRENT ARTHRITIS; PAPA SYNDROME. Identifiers: Orphanet 69126, MedGen C1858361, MONDO:0011462, OMIM 604416.

Allele frequency attached by ClinVar (database versions not stated): gnomAD exomes below 0.00001.

Submissions (2):

Ambry Genetics
Classification: Uncertain significance for Inborn genetic diseases. Last evaluated: 2025-10-23. Review status: criteria provided, single submitter. Criteria: Ambry Variant Classification Scheme 2023. Collection method: clinical testing. Allele origin: germline.

Labcorp Genetics (formerly Invitae), Labcorp
Classification: Uncertain significance for Pyogenic arthritis-pyoderma gangrenosum-acne syndrome. Last evaluated: 2025-10-09. Review status: criteria provided, single submitter. Criteria: Invitae Variant Classification Sherloc (09022015). Collection method: clinical testing. Allele origin: germline.
Comment: This sequence change replaces aspartic acid, which is acidic and polar, with asparagine, which is neutral and polar, at codon 153 of the PSTPIP1 protein (p.Asp153Asn). This variant is not present in population databases (gnomAD no frequency). This variant has not been reported in the literature in individuals affected with PSTPIP1-related conditions. ClinVar contains an entry for this variant (Variation ID: 2820738). Invitae Evidence Modeling of protein sequence and biophysical properties (such as structural, functional, and spatial information, amino acid conservation, physicochemical variation, residue mobility, and thermodynamic stability) indicates that this missense variant is not expected to disrupt PSTPIP1 protein function with a negative predictive value of 80%. In summary, the available evidence is currently insufficient to determine the role of this variant in disease. Therefore, it has been classified as a Variant of Uncertain Significance.

NM_003978.5(PSTPIP1):c.457G>A (p.Asp153Asn)

Gene: PSTPIP1 (proline-serine-threonine phosphatase interacting protein 1; plus strand). Cytogenetic location: 15q24.3.
Variant type: single nucleotide variant.
Coding change: c.457G>A on transcript NM_003978.5 (MANE Select); coding-DNA position 457, G replaced by A.
Protein change: p.Asp153Asn; replaces aspartic acid 153 with asparagine.
Molecular consequence: missense variant. On other transcripts: non-coding transcript variant (1).
Genome position (GRCh38, 1-based): chr15:77,028,593, G>A. VCF-style: chr15-77028593-G-A. GRCh37 (hg19) VCF-style: chr15-77320934-G-A.
Other names: c.457G>A, p.Asp153Asn (NM_001321135.2, NM_001411086.1); c.430G>A, p.Asp144Asn (NM_001321136.2); c.652G>A, p.Asp218Asn (NM_001321137.1); short protein forms D218N, D144N, D153N.
Identifiers: ClinVar variation 2820738 (VCV002820738.4), dbSNP rs1210262430, ClinGen allele CA393519820.